The following is an entry in ClinVar:

NM_000548.5(TSC2):c.1655C>T (p.Ala552Val)

Gene: TSC2 (TSC complex subunit 2; plus strand). Cytogenetic location: 16p13.3.
Variant type: single nucleotide variant.
Coding change: c.1655C>T on transcript NM_000548.5 (MANE Select); coding-DNA position 1655, C replaced by T.
Protein change: p.Ala552Val; replaces alanine 552 with valine.
Molecular consequence: missense variant.
Genome position (GRCh38, 1-based): chr16:2,065,574, C>T. VCF-style: chr16-2065574-C-T. GRCh37 (hg19) VCF-style: chr16-2115575-C-T.
Other names: c.1655C>T, p.Ala552Val (NM_001077183.3, NM_001114382.3, NM_001363528.2 and 3 more transcripts); c.1544C>T, p.Ala515Val (NM_001318827.2); c.1508C>T, p.Ala503Val (NM_001318829.2); c.1055C>T, p.Ala352Val (NM_001318831.2); c.1688C>T, p.Ala563Val (NM_001318832.2); c.1655C>T (NM_000548.4); short protein forms A552V, A352V, A515V, A563V, A503V.
Identifiers: ClinVar variation 486680 (VCV000486680.17), dbSNP rs1555503231, ClinGen allele CA394268025.

ClinVar aggregate classification (germline): Uncertain significance. Review status: criteria provided, multiple submitters, no conflicts (2 of 4 stars). 4 submissions from 4 submitters: Uncertain significance (4). Last evaluated 2025-12-02.

Conditions:
TSC2-related disorder. Also called: TSC2-related condition; TSC2-Related Disorders.
Hereditary cancer-predisposing syndrome. Also called: Neoplastic Syndromes, Hereditary; Hereditary Cancer Syndrome; Tumor predisposition; Hereditary neoplastic syndrome. Identifiers: Orphanet 140162, MedGen C0027672, MeSH D009386, MONDO:0015356.
Tuberous sclerosis 2 (TSC2). Identifiers: Orphanet 805, MedGen C1860707, MONDO:0013199, OMIM 613254.

Submissions (4):

Labcorp Genetics (formerly Invitae), Labcorp
Classification: Uncertain significance for Tuberous sclerosis 2. Last evaluated: 2025-12-02. Review status: criteria provided, single submitter. Criteria: Invitae Variant Classification Sherloc (09022015). Collection method: clinical testing. Allele origin: germline.
Comment: This sequence change replaces alanine, which is neutral and non-polar, with valine, which is neutral and non-polar, at codon 552 of the TSC2 protein (p.Ala552Val). This variant is not present in population databases (gnomAD no frequency). This variant has not been reported in the literature in individuals affected with TSC2-related conditions. ClinVar contains an entry for this variant (Variation ID: 486680). Invitae Evidence Modeling of protein sequence and biophysical properties (such as structural, functional, and spatial information, amino acid conservation, physicochemical variation, residue mobility, and thermodynamic stability) indicates that this missense variant is not expected to disrupt TSC2 protein function with a negative predictive value of 95%. In summary, the available evidence is currently insufficient to determine the role of this variant in disease. Therefore, it has been classified as a Variant of Uncertain Significance.

Ambry Genetics
Classification: Uncertain significance for Hereditary cancer-predisposing syndrome. Last evaluated: 2025-07-03. Review status: criteria provided, single submitter. Criteria: Ambry Variant Classification Scheme 2023. Collection method: clinical testing. Allele origin: germline.
Comment: The p.A552V variant (also known as c.1655C>T), located in coding exon 15 of the TSC2 gene, results from a C to T substitution at nucleotide position 1655. The alanine at codon 552 is replaced by valine, an amino acid with similar properties. This amino acid position is not well conserved in available vertebrate species. In addition, the in silico prediction for this alteration is inconclusive. Based on the available evidence, the clinical significance of this variant remains unclear.

PreventionGenetics, part of Exact Sciences
Classification: Uncertain significance for TSC2-related condition. Last evaluated: 2025-01-10. Review status: criteria provided, single submitter. Criteria: ACMG Guidelines, 2015. Collection method: clinical testing. Allele origin: germline.
Comment: The TSC2 c.1655C>T variant is predicted to result in the amino acid substitution p.Ala552Val. To our knowledge, this variant has not been reported in the literature or in a large population database (gnomAD), indicating this variant is rare. At this time, the clinical significance of this variant is uncertain due to the absence of conclusive functional and genetic evidence.

Genome-Nilou Lab
Classification: Uncertain significance for Tuberous sclerosis 2. Last evaluated: 2021-11-07. Review status: criteria provided, single submitter. Criteria: ACMG Guidelines, 2015. Collection method: clinical testing. Allele origin: germline. Affected: no.